The following is an entry in ClinVar:

ClinVar aggregate classification (germline): Uncertain significance (1 of 4 stars; one submission).

Conditions:
Inborn genetic diseases. Identifiers: MedGen C0950123, MeSH D030342.

Allele frequency attached by ClinVar (database versions not stated): gnomAD exomes below 0.00001.
gnomAD v4.1: 1 of 1,612,358 alleles (0.000062%); highest among the groups gnomAD compares: East Asian, 0.0022%; no homozygotes.

Submission:

Ambry Genetics
Classification: Uncertain significance for Inborn genetic diseases. Last evaluated: 2022-04-04. Review status: criteria provided, single submitter. Criteria: Ambry Variant Classification Scheme 2023. Collection method: clinical testing. Allele origin: germline.
Comment: The p.A1498T variant (also known as c.4492G>A), located in coding exon 31 of the LRRK2 gene, results from a G to A substitution at nucleotide position 4492. The alanine at codon 1498 is replaced by threonine, an amino acid with similar properties. This amino acid position is conserved. In addition, this alteration is predicted to be tolerated by in silico analysis. Since supporting evidence is limited at this time, the clinical significance of this alteration remains unclear.

NM_198578.4(LRRK2):c.4492G>A (p.Ala1498Thr)

Gene: LRRK2 (leucine rich repeat kinase 2; plus strand). Cytogenetic location: 12q12.
Variant type: single nucleotide variant.
Coding change: c.4492G>A on transcript NM_198578.4 (MANE Select); coding-DNA position 4492, G replaced by A.
Protein change: p.Ala1498Thr; replaces alanine 1498 with threonine.
Molecular consequence: missense variant.
Genome position (GRCh38, 1-based): chr12:40,310,605, G>A. VCF-style: chr12-40310605-G-A. GRCh37 (hg19) VCF-style: chr12-40704407-G-A.
Other names: short protein forms A1498T.
Identifiers: ClinVar variation 1740979 (VCV001740979.2), dbSNP rs756827034, ClinGen allele CA384418622.